The following is an entry in ClinVar:

NM_030665.4(RAI1):c.3730C>T (p.Arg1244Cys)

Gene: RAI1 (retinoic acid induced 1; plus strand). Cytogenetic location: 17p11.2.
Variant type: single nucleotide variant.
Coding change: c.3730C>T on transcript NM_030665.4 (MANE Select); coding-DNA position 3730, C replaced by T.
Protein change: p.Arg1244Cys; replaces arginine 1244 with cysteine.
Molecular consequence: missense variant.
Genome position (GRCh38, 1-based): chr17:17,796,678, C>T. VCF-style: chr17-17796678-C-T. GRCh37 (hg19) VCF-style: chr17-17699992-C-T.
Other names: short protein forms R1244C.
Identifiers: ClinVar variation 1734393 (VCV001734393.10), dbSNP rs2508588473, ClinGen allele CA398554810.
Genomic context (GRCh38, chr17:17,796,678, plus strand): 5'-AGGAAGTCGGCCTTCATGGCGCCGGTCCCCACCAAGAAGCGGAACCTGGTCTTGCGGAGC[C>T]GCAGCAGCAGCAGCAGCAACGCCAGTGGCAATGGGGGAGATGGGAAGGAGGAGAGGCCTG-3'
Protein context (NP_109590.3, residues 1234-1254): TKKRNLVLRS[Arg1244Cys]SSSSSNASGN

ClinVar aggregate classification (germline): Uncertain significance. Review status: criteria provided, multiple submitters, no conflicts (2 of 4 stars). 3 submissions from 3 submitters: Uncertain significance (2). 1 of the submissions does not count toward it. Last evaluated 2026-01-26.

Conditions:
RAI1-related disorder. Also called: RAI1-related condition.
Inborn genetic diseases. Identifiers: MedGen C0950123, MeSH D030342.

Allele frequency attached by ClinVar (database versions not stated): gnomAD exomes below 0.00001.
gnomAD v4.1: 4 of 1,612,180 alleles (0.00025%); highest among the groups gnomAD compares: Non-Finnish European, 0.00034%; no homozygotes.

Submissions (3):

Labcorp Genetics (formerly Invitae), Labcorp
Classification: Uncertain significance. Last evaluated: 2026-01-26. Review status: criteria provided, single submitter. Criteria: Invitae Variant Classification Sherloc (09022015). Collection method: clinical testing. Allele origin: germline.
Comment: This sequence change replaces arginine, which is basic and polar, with cysteine, which is neutral and slightly polar, at codon 1244 of the RAI1 protein (p.Arg1244Cys). This variant is not present in population databases (gnomAD no frequency). This variant has not been reported in the literature in individuals affected with RAI1-related conditions. ClinVar contains an entry for this variant (Variation ID: 1734393). Invitae Evidence Modeling of protein sequence and biophysical properties (such as structural, functional, and spatial information, amino acid conservation, physicochemical variation, residue mobility, and thermodynamic stability) indicates that this missense variant is not expected to disrupt RAI1 protein function with a negative predictive value of 80%. In summary, the available evidence is currently insufficient to determine the role of this variant in disease. Therefore, it has been classified as a Variant of Uncertain Significance.

Ambry Genetics
Classification: Uncertain significance for Inborn genetic diseases. Last evaluated: 2018-07-13. Review status: criteria provided, single submitter. Criteria: Ambry Variant Classification Scheme 2023. Collection method: clinical testing. Allele origin: germline.
Comment: The p.R1244C variant (also known as c.3730C>T), located in coding exon 1 of the RAI1 gene, results from a C to T substitution at nucleotide position 3730. The arginine at codon 1244 is replaced by cysteine, an amino acid with highly dissimilar properties. This amino acid position is poorly conserved in available vertebrate species. In addition, this alteration is predicted to be tolerated by in silico analysis. Since supporting evidence is limited at this time, the clinical significance of this alteration remains unclear.

PreventionGenetics, part of Exact Sciences
Classification: Uncertain significance for RAI1-related condition. Last evaluated: 2024-05-07. Review status: no assertion criteria provided. Collection method: clinical testing. Allele origin: germline. Not counted in ClinVar's aggregate classification.
Comment: The RAI1 c.3730C>T variant is predicted to result in the amino acid substitution p.Arg1244Cys. To our knowledge, this variant has not been reported in the literature or in a large population database, indicating this variant is rare. At this time, the clinical significance of this variant is uncertain due to the absence of conclusive functional and genetic evidence.